The following is an entry in ClinVar:

NM_139057.4(ADAMTS17):c.2701C>G (p.Arg901Gly)

Gene: ADAMTS17 (ADAM metallopeptidase with thrombospondin type 1 motif 17; minus strand). Cytogenetic location: 15q26.3.
Variant type: single nucleotide variant.
Coding change: c.2701C>G on transcript NM_139057.4 (MANE Select); coding-DNA position 2701, C replaced by G.
Protein change: p.Arg901Gly; replaces arginine 901 with glycine.
Molecular consequence: missense variant.
Genome position (GRCh38, 1-based): chr15:99,997,480, G>C on the plus strand (C>G on the coding strand, the complement: ADAMTS17 is on the minus strand). VCF-style: chr15-99997480-G-C. GRCh37 (hg19) VCF-style: chr15-100537685-G-C.
Other names: c.2701C>G (NM_139057.2); short protein forms R901G.
Identifiers: ClinVar variation 1500425 (VCV001500425.5), dbSNP rs780220308, ClinGen allele CA7757613.

ClinVar aggregate classification (germline): Uncertain significance. Review status: criteria provided, multiple submitters, no conflicts (2 of 4 stars). 2 submissions from 2 submitters: Uncertain significance (2). Last evaluated 2024-01-23.

Conditions:
Inborn genetic diseases. Identifiers: MedGen C0950123, MeSH D030342.

gnomAD v4.1: 10 of 1,613,410 alleles (0.00062%); highest among the groups gnomAD compares: Admixed American, 0.005%; no homozygotes.

Submissions (2):

Ambry Genetics
Classification: Uncertain significance for Inborn genetic diseases. Last evaluated: 2024-01-23. Review status: criteria provided, single submitter. Criteria: Ambry Variant Classification Scheme 2023. Collection method: clinical testing. Allele origin: germline.

Labcorp Genetics (formerly Invitae), Labcorp
Classification: Uncertain significance. Last evaluated: 2022-09-01. Review status: criteria provided, single submitter. Criteria: Invitae Variant Classification Sherloc (09022015). Collection method: clinical testing. Allele origin: germline.
Comment: This variant has not been reported in the literature in individuals affected with ADAMTS17-related conditions. In summary, the available evidence is currently insufficient to determine the role of this variant in disease. Therefore, it has been classified as a Variant of Uncertain Significance. Algorithms developed to predict the effect of missense changes on protein structure and function are either unavailable or do not agree on the potential impact of this missense change (SIFT: "Not Available"; PolyPhen-2: "Possibly Damaging"; Align-GVGD: "Not Available"). ClinVar contains an entry for this variant (Variation ID: 1500425). This variant is present in population databases (rs780220308, gnomAD 0.009%). This sequence change replaces arginine, which is basic and polar, with glycine, which is neutral and non-polar, at codon 901 of the ADAMTS17 protein (p.Arg901Gly).